The following is an entry in ClinVar:

NM_005219.5(DIAPH1):c.2039C>G (p.Pro680Arg)

Gene: DIAPH1 (diaphanous related formin 1; minus strand). Cytogenetic location: 5q31.3.
Variant type: single nucleotide variant.
Coding change: c.2039C>G on transcript NM_005219.5 (MANE Select); coding-DNA position 2039, C replaced by G.
Protein change: p.Pro680Arg; replaces proline 680 with arginine.
Molecular consequence: missense variant.
Genome position (GRCh38, 1-based): chr5:141,573,811, G>C on the plus strand (C>G on the coding strand, the complement: DIAPH1 is on the minus strand). VCF-style: chr5-141573811-G-C. GRCh37 (hg19) VCF-style: chr5-140953378-G-C.
Other names: c.2012C>G, p.Pro671Arg (NM_001079812.3); c.2039C>G, p.Pro680Arg (NM_001314007.2); short protein forms P671R, P680R.
Identifiers: ClinVar variation 3752403 (VCV003752403.2).
Genomic context (GRCh38, chr5:141,573,811, plus strand): 5'-ATTCCAGCACTCCCAGGCAAAGGAGGTGGTGGTGGGGGGATTCTAGCACTCCCAGGCAAA[G>C]GAGGAGGTGGGGGGATGGCAGTACCTCCAGGCAAAGAAGAGGGTGAAGGGATGCCAACAC-3'
Protein context (NP_005210.3, residues 670-690): PGGTAIPPPP[Pro680Arg]LPGSARIPPP

ClinVar aggregate classification (germline): Uncertain significance (1 of 4 stars; one submission).

Conditions:
Autosomal dominant nonsyndromic hearing loss 1. Also called: KONIGSMARK SYNDROME; DEAFNESS, AUTOSOMAL DOMINANT 1, WITH OR WITHOUT THROMBOCYTOPENIA. Identifiers: Orphanet 90635, MedGen C1852282, MONDO:0007424, OMIM 124900.
Progressive microcephaly-seizures-cortical blindness-developmental delay syndrome. Also called: Seizures, cortical blindness, and microcephaly syndrome. Identifiers: Orphanet 477814, MedGen C5567650, MONDO:0014714, OMIM 616632.

Submission:

Labcorp Genetics (formerly Invitae), Labcorp
Classification: Uncertain significance for Progressive microcephaly-seizures-cortical blindness-developmental delay syndrome; Autosomal dominant nonsyndromic hearing loss 1. Last evaluated: 2024-03-09. Review status: criteria provided, single submitter. Criteria: Invitae Variant Classification Sherloc (09022015). Collection method: clinical testing. Allele origin: germline.
Comment: This sequence change replaces proline, which is neutral and non-polar, with arginine, which is basic and polar, at codon 680 of the DIAPH1 protein (p.Pro680Arg). This variant is not present in population databases (gnomAD no frequency). This variant has not been reported in the literature in individuals affected with DIAPH1-related conditions. Experimental studies and prediction algorithms are not available or were not evaluated, and the functional significance of this variant is currently unknown. In summary, the available evidence is currently insufficient to determine the role of this variant in disease. Therefore, it has been classified as a Variant of Uncertain Significance.